The following is an entry in ClinVar:

NM_005956.4(MTHFD1):c.2051A>G (p.Lys684Arg)

Gene: MTHFD1 (methylenetetrahydrofolate dehydrogenase, cyclohydrolase and formyltetrahydrofolate synthetase 1; plus strand). Cytogenetic location: 14q23.3.
Variant type: single nucleotide variant.
Coding change: c.2051A>G on transcript NM_005956.4 (MANE Select); coding-DNA position 2051, A replaced by G.
Protein change: p.Lys684Arg; replaces lysine 684 with arginine.
Molecular consequence: missense variant.
Genome position (GRCh38, 1-based): chr14:64,442,317, A>G. VCF-style: chr14-64442317-A-G. GRCh37 (hg19) VCF-style: chr14-64909035-A-G.
Other names: c.2051A>G, p.Lys684Arg (NM_001364837.1); short protein forms K684R.
Identifiers: ClinVar variation 2095613 (VCV002095613.4), dbSNP rs2550504970, ClinGen allele CA389999466.
Genomic context (GRCh38, chr14:64,442,317, plus strand): 5'-TTACAGTGACGGAAGCAGGATTTGGAGCAGACATTGGAATGGAAAAGTTTTTTAACATCA[A>G]ATGCCGGTATTCCGGCCTCTGCCCCCACGTGGTGGTGCTTGTTGCCACTGTCAGGGCTCT-3'
Protein context (NP_005947.3, residues 674-694): DIGMEKFFNI[Lys684Arg]CRYSGLCPHV

ClinVar aggregate classification (germline): Uncertain significance (1 of 4 stars; one submission).

Allele frequency attached by ClinVar (database versions not stated): gnomAD exomes below 0.00001.
gnomAD v4.1: 1 of 1,614,250 alleles (0.000062%); highest among the groups gnomAD compares: Non-Finnish European, 0.000085%; no homozygotes.

Submission:

Labcorp Genetics (formerly Invitae), Labcorp
Classification: Uncertain significance. Last evaluated: 2022-10-17. Review status: criteria provided, single submitter. Criteria: Invitae Variant Classification Sherloc (09022015). Collection method: clinical testing. Allele origin: germline.
Comment: This sequence change replaces lysine, which is basic and polar, with arginine, which is basic and polar, at codon 684 of the MTHFD1 protein (p.Lys684Arg). This variant is not present in population databases (gnomAD no frequency). This variant has not been reported in the literature in individuals affected with MTHFD1-related conditions. Advanced modeling of protein sequence and biophysical properties (such as structural, functional, and spatial information, amino acid conservation, physicochemical variation, residue mobility, and thermodynamic stability) performed at Invitae indicates that this missense variant is expected to disrupt MTHFD1 protein function. In summary, the available evidence is currently insufficient to determine the role of this variant in disease. Therefore, it has been classified as a Variant of Uncertain Significance.